The following is an entry in ClinVar:

ClinVar aggregate classification (germline): Likely pathogenic (1 of 4 stars; one submission).

Conditions:
Autosomal recessive limb-girdle muscular dystrophy type 2J (LGMDR10). Also called: Limb-girdle muscular dystrophy, type 2J; MUSCULAR DYSTROPHY, LIMB-GIRDLE, AUTOSOMAL RECESSIVE 10. Identifiers: Orphanet 140922, MedGen C1837342, MONDO:0012127, OMIM 608807.
Dilated cardiomyopathy 1G (CMD1G). Identifiers: Orphanet 154, MedGen C1858763, MONDO:0011400, OMIM 604145.

Submission:

Labcorp Genetics (formerly Invitae), Labcorp
Classification: Likely pathogenic for Dilated cardiomyopathy 1G; Autosomal recessive limb-girdle muscular dystrophy type 2J. Last evaluated: 2025-01-23. Review status: criteria provided, single submitter. Criteria: Invitae Variant Classification Sherloc (09022015). Collection method: clinical testing. Allele origin: germline.
Comment: This sequence change creates a premature translational stop signal (p.Lys14771*) in the TTN gene. While this is not anticipated to result in nonsense mediated decay, it is expected to create a truncated TTN protein. This variant is not present in population databases (gnomAD no frequency). This variant has not been reported in the literature in individuals affected with TTN-related conditions. Algorithms developed to predict the effect of sequence changes on RNA splicing suggest that this variant may disrupt the consensus splice site. This variant is located in the I band of TTN (PMID: 25589632). Truncating variants in this region have been reported in individuals affected with autosomal recessive centronuclear myopathy (PMID: 23975875, internal data). Truncating variants in this region have also been identified in individuals affected with autosomal dominant dilated cardiomyopathy and/or cardio-related conditions (PMID: 27869827, 32964742, internal data). In summary, the currently available evidence indicates that the variant is pathogenic, but additional data are needed to prove that conclusively. Therefore, this variant has been classified as Likely Pathogenic.

Literature cited by the submitters: PubMed 25589632; PubMed 23975875; PubMed 27869827; PubMed 32964742.

NM_001267550.2(TTN):c.44311A>T (p.Lys14771Ter)

Gene: TTN (titin; minus strand). Cytogenetic location: 2q31.2.
Variant type: single nucleotide variant.
Coding change: c.44311A>T on transcript NM_001267550.2 (MANE Select); coding-DNA position 44311, A replaced by T.
Protein change: p.Lys14771Ter; replaces lysine 14771 with a stop codon.
Molecular consequence: nonsense.
Genome position (GRCh38, 1-based): chr2:178,629,414, T>A on the plus strand (A>T on the coding strand, the complement: TTN is on the minus strand). VCF-style: chr2-178629414-T-A. GRCh37 (hg19) VCF-style: chr2-179494141-T-A.
Other names: c.39388A>T, p.Lys13130Ter (NM_001256850.1); c.17116A>T, p.Lys5706Ter (NM_003319.4); c.36607A>T, p.Lys12203Ter (NM_133378.4); c.17491A>T, p.Lys5831Ter (NM_133432.3); c.17692A>T, p.Lys5898Ter (NM_133437.4); short protein forms K12203*, K13130*, K14771*, K5706*, K5831*, K5898*.
Identifiers: ClinVar variation 3760425 (VCV003760425.2).